The following is an entry in ClinVar:

NM_001374385.1(ATP8B1):c.1477G>A (p.Val493Ile)

Gene: ATP8B1 (ATPase phospholipid transporting 8B1; minus strand). Cytogenetic location: 18q21.31.
Variant type: single nucleotide variant.
Coding change: c.1477G>A on transcript NM_001374385.1 (MANE Select); coding-DNA position 1477, G replaced by A.
Protein change: p.Val493Ile; replaces valine 493 with isoleucine.
Molecular consequence: missense variant.
Genome position (GRCh38, 1-based): chr18:57,684,189, C>T on the plus strand (G>A on the coding strand, the complement: ATP8B1 is on the minus strand). VCF-style: chr18-57684189-C-T. GRCh37 (hg19) VCF-style: chr18-55351421-C-T.
Other names: c.1327G>A, p.Val443Ile (NM_001374386.1); c.1477G>A, p.Val493Ile (NM_005603.6); short protein forms V443I, V493I.
Identifiers: ClinVar variation 4846305 (VCV004846305.1).
Genomic context (GRCh38, chr18:57,684,189, plus strand): 5'-TAAGATAGTGGTCATAAAATGCAAGCTTCCCATCAGCATATGTATTCCAGCTAAAATCAA[C>T]TTGCTGAAAGAAATGGAGAAAAACAAAATATGATTTTATAAAATATTTTTGACTTAACAA-3'
Protein context (NP_001361314.1, residues 483-503): SQHNHNKIEQ[Val493Ile]DFSWNTYADG

ClinVar aggregate classification (germline): Uncertain significance (1 of 4 stars; one submission).

Conditions:
Familial intrahepatic cholestasis. Identifiers: Orphanet 284385, MedGen CN296401, MONDO:0017290.

gnomAD v4.1: 9 of 1,613,562 alleles (0.00056%); highest among the groups gnomAD compares: East Asian, 0.02%; no homozygotes.

Submission:

Genomenon, Inc
Classification: Uncertain significance for Familial intrahepatic cholestasis. Last evaluated: 2026-04-14. Review status: criteria provided, single submitter. Criteria: Genomenon Sequence Variant Interpretation Standards - Updated. Collection method: curation. Allele origin: germline. Affected: no.
Comment: ATP8B1 p.Val493Ile (c.1477G>A) is a missense variant that changes the amino acid at residue 493 from Valine to Isoleucine. This variant has been reported in the published literature (PMID:39654666). In silico models predict that this variant is not damaging. In conclusion, we classify ATP8B1 p.Val493Ile (c.1477G>A) as a variant of uncertain significance.

Literature cited by the submitters: PubMed 39654666.